The following is an entry in ClinVar:

NM_000236.3(LIPC):c.1029G>A (p.Thr343=)

Gene: LIPC (lipase C, hepatic type; plus strand). Cytogenetic location: 15q21.3.
Variant type: single nucleotide variant.
Coding change: c.1029G>A on transcript NM_000236.3 (MANE Select); coding-DNA position 1029, G replaced by A.
Protein change: p.Thr343=; no amino-acid change (threonine 343 retained).
Molecular consequence: synonymous variant.
Genome position (GRCh38, 1-based): chr15:58,548,550, G>A. VCF-style: chr15-58548550-G-A. GRCh37 (hg19) VCF-style: chr15-58840749-G-A.
Identifiers: ClinVar variation 887013 (VCV000887013.7), dbSNP rs570824458, ClinGen allele CA7585080.

ClinVar aggregate classification (germline): Benign/Likely benign. Review status: criteria provided, multiple submitters, no conflicts (2 of 4 stars). 3 submissions from 3 submitters: Benign (1); Likely benign (2). Last evaluated 2025-08-24.

Conditions:
Hyperlipidemia due to hepatic triglyceride lipase deficiency. Also called: LIPC DEFICIENCY. Identifiers: Orphanet 140905, MedGen C3151466, MONDO:0013533, OMIM 614025.

Allele frequency attached by ClinVar (database versions not stated): gnomAD 0.00008 and 0.00032; TOPMed 0.00008; 1000 Genomes Project 30x 0.00078; 1000 Genomes Project 0.00080; gnomAD exomes 0.00104; ExAC 0.00177.
gnomAD v4.1: 831 of 1,592,878 alleles (0.052%); highest among the groups gnomAD compares: South Asian, 0.88%; 6 homozygotes.

Submissions (3):

Labcorp Genetics (formerly Invitae), Labcorp
Classification: Benign. Last evaluated: 2025-08-24. Review status: criteria provided, single submitter. Criteria: Invitae Variant Classification Sherloc (09022015). Collection method: clinical testing. Allele origin: germline.

Blueprint Genetics
Classification: Likely benign. Last evaluated: 2024-11-19. Review status: criteria provided, single submitter. Criteria: ACMG Guidelines, 2015. Collection method: clinical testing. Allele origin: germline.

Illumina Laboratory Services, Illumina
Classification: Likely benign for Hyperlipidemia due to hepatic triglyceride lipase deficiency. Last evaluated: 2018-01-13. Review status: criteria provided, single submitter. Criteria: ICSL Variant Classification Criteria 13 December 2019. Collection method: clinical testing. Allele origin: germline.
Comment: This variant was observed in the ICSL laboratory as part of a predisposition screen in an ostensibly healthy population. It had not been previously curated by ICSL or reported in the Human Gene Mutation Database (HGMD: prior to June 1st, 2018), and was therefore a candidate for classification through an automated scoring system. Utilizing variant allele frequency, disease prevalence and penetrance estimates, and inheritance mode, an automated score was calculated to assess if this variant is too frequent to cause the disease. Based on the score and internal cut-off values, a variant classified as likely benign is not then subjected to further curation. The score for this variant resulted in a classification of likely benign for this disease.